The following is an entry in ClinVar:

NM_005529.7(HSPG2):c.7336T>C (p.Ser2446Pro)

Gene: HSPG2 (heparan sulfate proteoglycan 2; minus strand). Cytogenetic location: 1p36.12.
Variant type: single nucleotide variant.
Coding change: c.7336T>C on transcript NM_005529.7 (MANE Select); coding-DNA position 7336, T replaced by C.
Protein change: p.Ser2446Pro; replaces serine 2446 with proline.
Molecular consequence: missense variant.
Genome position (GRCh38, 1-based): chr1:21,850,151, A>G on the plus strand (T>C on the coding strand, the complement: HSPG2 is on the minus strand). VCF-style: chr1-21850151-A-G. GRCh37 (hg19) VCF-style: chr1-22176644-A-G.
Other names: c.7339T>C, p.Ser2447Pro (NM_001291860.2); short protein forms S2446P, S2447P.
Identifiers: ClinVar variation 1714530 (VCV001714530.5), dbSNP rs2550679925, ClinGen allele CA338925127.
Genomic context (GRCh38, chr1:21,850,151, plus strand): 5'-CATGGGCCTGACCAGCAACGAGGCAGTTCAGGTCCAGGGTCTGCCCCTCGGCCACTTGCG[A>G]AGACGATGACTCGATCCGGACCGTGGGGGTGACCCCAAGTGCTGGGGACAGAGGGCAAAG-3'
Protein context (NP_005520.4, residues 2436-2456): TPTVRIESSS[Ser2446Pro]QVAEGQTLDL

ClinVar aggregate classification (germline): Uncertain significance (1 of 4 stars; one submission).

Submission:

Labcorp Genetics (formerly Invitae), Labcorp
Classification: Uncertain significance. Last evaluated: 2022-07-30. Review status: criteria provided, single submitter. Criteria: Invitae Variant Classification Sherloc (09022015). Collection method: clinical testing. Allele origin: germline.
Comment: This sequence change replaces serine, which is neutral and polar, with proline, which is neutral and non-polar, at codon 2446 of the HSPG2 protein (p.Ser2446Pro). This variant is not present in population databases (gnomAD no frequency). This variant has not been reported in the literature in individuals affected with HSPG2-related conditions. Algorithms developed to predict the effect of missense changes on protein structure and function are either unavailable or do not agree on the potential impact of this missense change (SIFT: "Tolerated"; PolyPhen-2: "Probably Damaging"; Align-GVGD: "Class C0"). In summary, the available evidence is currently insufficient to determine the role of this variant in disease. Therefore, it has been classified as a Variant of Uncertain Significance.